The following is an entry in ClinVar:

NM_024675.4(PALB2):c.1160CTC[3] (p.Pro388dup)

Gene: PALB2 (partner and localizer of BRCA2; minus strand). Cytogenetic location: 16p12.2.
Variant type: Microsatellite.
Coding change: c.1160CTC[3] on transcript NM_024675.4 (MANE Select); three copies in a row of the 3-base unit CTC starting at c.1160; the reference has two copies in a row; one copy, 3 bases duplicated.
Protein change: p.Pro388dup; duplicates proline 388.
Molecular consequence: inframe insertion.
Genome position (GRCh38, 1-based): chr16:23,635,381-23,635,383, GAG duplicated on the plus strand (CTC on the coding strand, the reverse complement: PALB2 is on the minus strand); duplicating any 3 consecutive bases within chr16:23,635,381-23,635,386 gives the same sequence; the position shown is the placement nearest the transcript's 3' end. VCF-style (leftmost placement, unchanged base first): chr16-23635380-A-AGAG. GRCh37 (hg19) VCF-style: chr16-23646701-A-AGAG.
Identifiers: ClinVar variation 1037155 (VCV001037155.10), dbSNP rs1306677139, ClinGen allele CA2213428985.

ClinVar aggregate classification (germline): Uncertain significance (1 of 4 stars; one submission).

Conditions:
Familial cancer of breast. Also called: hereditary breast carcinoma; Hereditary breast cancer; BREAST CANCER, FAMILIAL. Identifiers: Orphanet 227535, MedGen C0346153, MONDO:0016419, OMIM 114480. Disease mechanism: loss of function.

Allele frequency attached by ClinVar (database versions not stated): gnomAD exomes below 0.00001.

Submission:

Labcorp Genetics (formerly Invitae), Labcorp
Classification: Uncertain significance for Familial cancer of breast. Last evaluated: 2020-02-02. Review status: criteria provided, single submitter. Criteria: Invitae Variant Classification Sherloc (09022015). Collection method: clinical testing. Allele origin: germline.
Comment: This variant, c.1163_1165dup, results in the insertion of 1 amino acid(s) to the PALB2 protein (p.Pro388dup), but otherwise preserves the integrity of the reading frame. This variant is not present in population databases (ExAC no frequency). This variant has not been reported in the literature in individuals with PALB2-related conditions. Experimental studies and prediction algorithms are not available or were not evaluated, and the functional significance of this variant is currently unknown. In summary, the available evidence is currently insufficient to determine the role of this variant in disease. Therefore, it has been classified as a Variant of Uncertain Significance.